The following is an entry in ClinVar:

ClinVar aggregate classification (germline): Uncertain significance. Review status: criteria provided, multiple submitters, no conflicts (2 of 4 stars). 5 submissions from 5 submitters: Uncertain significance (5). Last evaluated 2025-03-21.

Conditions:
Cerebellar ataxia, impaired intellectual development, and dysequilibrium syndrome 1. Also called: Cerebellar ataxia, intellectual disability, and dysequilibrium syndrome 1; CEREBELLAR ATAXIA AND MENTAL RETARDATION WITH OR WITHOUT QUADRUPEDAL LOCOMOTION 1; CEREBELLAR ATAXIA, CONGENITAL, AND MENTAL RETARDATION, AUTOSOMAL RECESSIVE; VLDLR Cerebellar Hypoplasia; Cerebellar hypoplasia and mental retardation with or without quadrupedal locomotion 1; Cerebellar ataxia, mental retardation, and dysequilibrium syndrome 1. Identifiers: Orphanet 1766, MedGen C4551552, MONDO:0024542, OMIM 224050.
Inborn genetic diseases. Identifiers: MedGen C0950123, MeSH D030342.

Allele frequency attached by ClinVar (database versions not stated): ExAC 0.00004; gnomAD 0.00019; gnomAD exomes 0.00004; TOPMed 0.00019; ESP Exome Variant Server 0.00023; 1000 Genomes Project 30x 0.00016; 1000 Genomes Project 0.00020.
gnomAD v4.1: 51 of 1,614,134 alleles (0.0032%); highest among the groups gnomAD compares: African/African-American, 0.057%; no homozygotes.

Submissions (5):

Ambry Genetics
Classification: Uncertain significance for Inborn genetic diseases. Last evaluated: 2025-03-21. Review status: criteria provided, single submitter. Criteria: Ambry Variant Classification Scheme 2023. Collection method: clinical testing. Allele origin: germline.

Fulgent Genetics
Classification: Uncertain significance for Cerebellar ataxia, impaired intellectual development, and dysequilibrium syndrome 1. Last evaluated: 2024-05-13. Review status: criteria provided, single submitter. Criteria: ACMG Guidelines, 2015. Collection method: clinical testing. Allele origin: germline.

Labcorp Genetics (formerly Invitae), Labcorp
Classification: Uncertain significance. Last evaluated: 2022-05-17. Review status: criteria provided, single submitter. Criteria: Invitae Variant Classification Sherloc (09022015). Collection method: clinical testing. Allele origin: germline.
Comment: This sequence change replaces leucine, which is neutral and non-polar, with valine, which is neutral and non-polar, at codon 650 of the VLDLR protein (p.Leu650Val). This variant is present in population databases (rs116047052, gnomAD 0.06%). This variant has not been reported in the literature in individuals affected with VLDLR-related conditions. ClinVar contains an entry for this variant (Variation ID: 1307872). Algorithms developed to predict the effect of missense changes on protein structure and function output the following: SIFT: "Not Available"; PolyPhen-2: "Benign"; Align-GVGD: "Not Available". The valine amino acid residue is found in multiple mammalian species, which suggests that this missense change does not adversely affect protein function. In summary, the available evidence is currently insufficient to determine the role of this variant in disease. Therefore, it has been classified as a Variant of Uncertain Significance.

Laboratorio de Genetica e Diagnostico Molecular, Hospital Israelita Albert Einstein
Classification: Uncertain significance. Last evaluated: 2021-04-01. Review status: criteria provided, single submitter. Criteria: ACMG Guidelines, 2015. Collection method: clinical testing. Allele origin: germline. Affected: yes.
Comment: ACMG classification criteria: BP1

GeneDx
Classification: Uncertain significance. Last evaluated: 2019-09-23. Review status: criteria provided, single submitter. Criteria: GeneDx Variant Classification Process June 2021. Collection method: clinical testing. Allele origin: germline. Affected: yes.
Comment: Has not been previously published as pathogenic or benign to our knowledge; In silico analysis, which includes protein predictors and evolutionary conservation, supports that this missense variant does not alter protein structure/function; In-silico analysis, which includes splice predictors and evolutionary conservation, is inconclusive as to whether the variant alters gene splicing. In the absence of RNA/functional studies, the actual effect of this sequence change is unknown.

NM_003383.5(VLDLR):c.1948C>G (p.Leu650Val)

Gene: VLDLR (very low density lipoprotein receptor; plus strand). Cytogenetic location: 9p24.2.
Variant type: single nucleotide variant.
Coding change: c.1948C>G on transcript NM_003383.5 (MANE Select); coding-DNA position 1948, C replaced by G.
Protein change: p.Leu650Val; replaces leucine 650 with valine.
Molecular consequence: missense variant.
Genome position (GRCh38, 1-based): chr9:2,648,333, C>G. VCF-style: chr9-2648333-C-G. GRCh37 (hg19) VCF-style: chr9-2648333-C-G.
Other names: c.1825C>G, p.Leu609Val (NM_001322226.2, NM_001322225.2); c.1948C>G, p.Leu650Val (NM_001018056.3); short protein forms L609V, L650V.
Identifiers: ClinVar variation 1307872 (VCV001307872.8), dbSNP rs116047052, ClinGen allele CA4965008.